The following is an entry in ClinVar:

ClinVar aggregate classification (germline): Benign/Likely benign. Review status: criteria provided, multiple submitters, no conflicts (2 of 4 stars). 6 submissions from 6 submitters: Benign (1); Likely benign (2). 3 of the submissions do not count toward it. Last evaluated 2025-11-17.

Conditions:
ASB10-related disorder. Also called: ASB10-related condition.
Glaucoma 1, open angle, F (GLC1F). Identifiers: MedGen C1863926, OMIM 603383, MONDO:0011311.

Allele frequency attached by ClinVar (database versions not stated): 1000 Genomes Project 30x 0.00047; 1000 Genomes Project 0.00060; gnomAD exomes 0.00131 and 0.00198; ExAC 0.00140; TOPMed 0.00157; gnomAD 0.00158 and 0.00166; ESP Exome Variant Server 0.00170.
gnomAD v4.1: 3,141 of 1,606,730 alleles (0.2%); highest among the groups gnomAD compares: Non-Finnish European, 0.25%; 7 homozygotes.

Submissions (6):

Labcorp Genetics (formerly Invitae), Labcorp
Classification: Likely benign. Last evaluated: 2025-11-17. Review status: criteria provided, single submitter. Criteria: Invitae Variant Classification Sherloc (09022015). Collection method: clinical testing. Allele origin: germline.

CeGaT Center for Human Genetics Tuebingen
Classification: Benign. Last evaluated: 2023-08-01. Review status: criteria provided, single submitter. Criteria: CeGaT Center For Human Genetics Tuebingen Variant Classification Criteria Version 2. Collection method: clinical testing. Allele origin: germline. Affected: yes. Observed: 1 variant allele.
Comment: ASB10: BS1, BS2

Breakthrough Genomics
Classification: Likely benign. Review status: criteria provided, single submitter. Criteria: ACMG Guidelines, 2015. Collection method: not provided. Allele origin: germline. Inheritance: Autosomal dominant inheritance. Affected: yes.

PreventionGenetics, part of Exact Sciences
Classification: Likely benign for ASB10-related condition. Last evaluated: 2024-01-10. Review status: no assertion criteria provided. Collection method: clinical testing. Allele origin: germline. Not counted in ClinVar's aggregate classification.
Comment: This variant is classified as likely benign based on ACMG/AMP sequence variant interpretation guidelines (Richards et al. 2015 PMID: 25741868, with internal and published modifications).

OMIM
Classification: Pathogenic for GLAUCOMA 1, OPEN ANGLE, F. Last evaluated: 2012-03-15. Review status: no assertion criteria provided. Collection method: literature only. Allele origin: germline. Not counted in ClinVar's aggregate classification.

Casey Eye Institute Glaucoma Genetics Lab 
No classification provided. Condition: Glaucoma 1, open angle, F. Review status: no classification provided. Collection method: not provided. Allele origin: somatic. Not counted in ClinVar's aggregate classification.

Literature cited by the submitters: PubMed 22156576 (cited by OMIM).

NM_001142459.2(ASB10):c.619G>C (p.Val207Leu)

Gene: ASB10 (ankyrin repeat and SOCS box containing 10; minus strand). Cytogenetic location: 7q36.1.
Variant type: single nucleotide variant.
Coding change: c.619G>C on transcript NM_001142459.2 (MANE Select); coding-DNA position 619, G replaced by C.
Protein change: p.Val207Leu; replaces valine 207 with leucine.
Molecular consequence: missense variant.
Genome position (GRCh38, 1-based): chr7:151,181,424, C>G on the plus strand (G>C on the coding strand, the complement: ASB10 is on the minus strand). VCF-style: chr7-151181424-C-G. GRCh37 (hg19) VCF-style: chr7-150878511-C-G.
Other names: ASB10, VAL192LEU (rs104886474); c.619G>C, p.Val207Leu (NM_001142460.1); c.574G>C, p.Val192Leu (NM_080871.4); c.619G>C (NM_001142459.1); short protein forms V192L, V207L.
Identifiers: ClinVar variation 50953 (VCV000050953.33), dbSNP rs104886474, ClinGen allele CA143899.